The following is an entry in ClinVar:

ClinVar aggregate classification (germline): Uncertain significance (1 of 4 stars; one submission).

Submission:

Ambry Genetics
Classification: Uncertain significance. Last evaluated: 2026-02-15. Review status: criteria provided, single submitter. Criteria: Ambry Variant Classification Scheme 2023. Collection method: clinical testing. Allele origin: germline.
Comment: The p.T132I variant (also known as c.395C>T), located in coding exon 3 of the A2ML1 gene, results from a C to T substitution at nucleotide position 395. The threonine at codon 132 is replaced by isoleucine, an amino acid with similar properties. This amino acid position is conserved. In addition, this alteration is predicted to be tolerated by in silico analysis. Based on the available evidence, the clinical significance of this variant remains unclear.

NM_144670.6(A2ML1):c.395C>T (p.Thr132Ile)

Genes: A2ML1 (alpha-2-macroglobulin like 1; plus strand), A2ML1-AS1 (A2ML1 antisense RNA 1; minus strand). Cytogenetic location: 12p13.31.
Variant type: single nucleotide variant.
Coding change: c.395C>T on transcript NM_144670.6 (MANE Select); coding-DNA position 395, C replaced by T.
Protein change: p.Thr132Ile; replaces threonine 132 with isoleucine.
Molecular consequence: missense variant.
Genome position (GRCh38, 1-based): chr12:8,823,868, C>T. VCF-style: chr12-8823868-C-T. GRCh37 (hg19) VCF-style: chr12-8976464-C-T.
Other names: short protein forms T132I.
Identifiers: ClinVar variation 4844957 (VCV004844957.1).